The following is an entry in ClinVar:

NM_002432.3(MNDA):c.926T>G (p.Ile309Ser)

Gene: MNDA (myeloid cell nuclear differentiation antigen; plus strand). Cytogenetic location: 1q23.1.
Variant type: single nucleotide variant.
Coding change: c.926T>G on transcript NM_002432.3 (MANE Select); coding-DNA position 926, T replaced by G.
Protein change: p.Ile309Ser; replaces isoleucine 309 with serine.
Molecular consequence: missense variant.
Genome position (GRCh38, 1-based): chr1:158,845,942, T>G. VCF-style: chr1-158845942-T-G. GRCh37 (hg19) VCF-style: chr1-158815732-T-G.
Other names: short protein forms I309S.
Identifiers: ClinVar variation 1766396 (VCV001766396.2), dbSNP rs2526088258, ClinGen allele CA343042347.

ClinVar aggregate classification (germline): Uncertain significance (1 of 4 stars; one submission).

Submission:

Ambry Genetics
Classification: Uncertain significance. Last evaluated: 2022-05-09. Review status: criteria provided, single submitter. Criteria: Ambry Variant Classification Scheme 2023. Collection method: clinical testing. Allele origin: germline.
Comment: The p.I309S variant (also known as c.926T>G), located in coding exon 4 of the MNDA gene, results from a T to G substitution at nucleotide position 926. The isoleucine at codon 309 is replaced by serine, an amino acid with dissimilar properties. This amino acid position is conserved. In addition, the in silico prediction for this alteration is inconclusive. Since supporting evidence is limited at this time, the clinical significance of this alteration remains unclear.